The following is an entry in ClinVar:

ClinVar aggregate classification (germline): Uncertain significance (1 of 4 stars; one submission).

Submission:

GeneDx
Classification: Uncertain significance. Last evaluated: 2024-09-18. Review status: criteria provided, single submitter. Criteria: GeneDx Variant Classification Process June 2021. Collection method: clinical testing. Allele origin: germline. Affected: yes.
Comment: Not observed at significant frequency in large population cohorts (gnomAD); In silico analysis supports that this missense variant has a deleterious effect on protein structure/function; Has not been previously published as pathogenic or benign to our knowledge

NM_018127.7(ELAC2):c.1775A>C (p.His592Pro)

Gene: ELAC2 (elaC ribonuclease Z 2; minus strand). Cytogenetic location: 17p12.
Variant type: single nucleotide variant.
Coding change: c.1775A>C on transcript NM_018127.7 (MANE Select); coding-DNA position 1775, A replaced by C.
Protein change: p.His592Pro; replaces histidine 592 with proline.
Molecular consequence: missense variant.
Genome position (GRCh38, 1-based): chr17:12,995,736, T>G on the plus strand (A>C on the coding strand, the complement: ELAC2 is on the minus strand). VCF-style: chr17-12995736-T-G. GRCh37 (hg19) VCF-style: chr17-12899053-T-G.
Other names: c.1655A>C, p.His552Pro (NM_001165962.2); c.1772A>C, p.His591Pro (NM_173717.2); short protein forms H552P, H591P, H592P.
Identifiers: ClinVar variation 3774003 (VCV003774003.1).